The following is an entry in ClinVar:

NM_001687.5(ATP5F1D):c.154G>T (p.Gly52Cys)

Gene: ATP5F1D (ATP synthase F1 subunit delta; plus strand). Cytogenetic location: 19p13.3.
Variant type: single nucleotide variant.
Coding change: c.154G>T on transcript NM_001687.5 (MANE Select); coding-DNA position 154, G replaced by T.
Protein change: p.Gly52Cys; replaces glycine 52 with cysteine.
Molecular consequence: missense variant.
Genome position (GRCh38, 1-based): chr19:1,242,468, G>T. VCF-style: chr19-1242468-G-T. GRCh37 (hg19) VCF-style: chr19-1242467-G-T.
Other names: c.154G>T, p.Gly52Cys (NM_001001975.2); short protein forms G52C.
Identifiers: ClinVar variation 3692077 (VCV003692077.2).
Genomic context (GRCh38, chr19:1,242,468, plus strand): 5'-CGCGGGGCCGGCCTGCCCCGCCATCATTCCCCACGCTGTTGTCTGCAGGTGTTCTTCAAC[G>T]GTGCCAACGTCCGGCAGGTGGACGTGCCCACGCTGACCGGAGCCTTCGGCATCCTGGCGG-3'
Protein context (NP_001678.1, residues 42-62): FASPTQVFFN[Gly52Cys]ANVRQVDVPT

ClinVar aggregate classification (germline): Uncertain significance (1 of 4 stars; one submission).

gnomAD v4.1: 6 of 1,528,744 alleles (0.00039%); highest among the groups gnomAD compares: Admixed American, 0.002%; no homozygotes.

Submission:

Labcorp Genetics (formerly Invitae), Labcorp
Classification: Uncertain significance. Last evaluated: 2024-08-31. Review status: criteria provided, single submitter. Criteria: Invitae Variant Classification Sherloc (09022015). Collection method: clinical testing. Allele origin: germline.
Comment: This sequence change replaces glycine, which is neutral and non-polar, with cysteine, which is neutral and slightly polar, at codon 52 of the ATP5D protein (p.Gly52Cys). This variant is not present in population databases (gnomAD no frequency). This variant has not been reported in the literature in individuals affected with ATP5D-related conditions. An algorithm developed to predict the effect of missense changes on protein structure and function (PolyPhen-2) suggests that this variant is likely to be disruptive. In summary, the available evidence is currently insufficient to determine the role of this variant in disease. Therefore, it has been classified as a Variant of Uncertain Significance.